The following is an entry in ClinVar:

NM_022114.4(PRDM16):c.535G>A (p.Asp179Asn)

Gene: PRDM16 (PR/SET domain 16; plus strand). Cytogenetic location: 1p36.32.
Variant type: single nucleotide variant.
Coding change: c.535G>A on transcript NM_022114.4 (MANE Select); coding-DNA position 535, G replaced by A.
Protein change: p.Asp179Asn; replaces aspartic acid 179 with asparagine.
Molecular consequence: missense variant.
Genome position (GRCh38, 1-based): chr1:3,385,248, G>A. VCF-style: chr1-3385248-G-A. GRCh37 (hg19) VCF-style: chr1-3301812-G-A.
Other names: c.535G>A, p.Asp179Asn (NM_199454.3); short protein forms D179N.
Identifiers: ClinVar variation 1019653 (VCV001019653.12), dbSNP rs929298724, ClinGen allele CA17000390.

ClinVar aggregate classification (germline): Uncertain significance. Review status: criteria provided, multiple submitters, no conflicts (2 of 4 stars). 3 submissions from 3 submitters: Uncertain significance (2). 1 of the submissions does not count toward it. Last evaluated 2024-07-16.

Conditions:
Left ventricular noncompaction 8 (LVNC8). Identifiers: Orphanet 154, Orphanet 54260, MedGen C3809288, MONDO:0014152, OMIM 615373.
PRDM16-related disorder. Also called: PRDM16-related condition.

Allele frequency attached by ClinVar (database versions not stated): gnomAD exomes below 0.00001 and 0.00001; TOPMed 0.00001.
gnomAD v4.1: 18 of 1,613,714 alleles (0.0011%); highest among the groups gnomAD compares: East Asian, 0.0067%; no homozygotes.

Submissions (3):

Labcorp Genetics (formerly Invitae), Labcorp
Classification: Uncertain significance for Left ventricular noncompaction 8. Last evaluated: 2024-07-16. Review status: criteria provided, single submitter. Criteria: Invitae Variant Classification Sherloc (09022015). Collection method: clinical testing. Allele origin: germline.
Comment: This sequence change replaces aspartic acid, which is acidic and polar, with asparagine, which is neutral and polar, at codon 179 of the PRDM16 protein (p.Asp179Asn). This variant is present in population databases (no rsID available, gnomAD 0.002%). This variant has not been reported in the literature in individuals affected with PRDM16-related conditions. ClinVar contains an entry for this variant (Variation ID: 1019653). An algorithm developed to predict the effect of missense changes on protein structure and function (PolyPhen-2) suggests that this variant is likely to be tolerated. In summary, the available evidence is currently insufficient to determine the role of this variant in disease. Therefore, it has been classified as a Variant of Uncertain Significance.

GeneDx
Classification: Uncertain significance. Last evaluated: 2019-07-10. Review status: criteria provided, single submitter. Criteria: GeneDx Variant Classification Process June 2021. Collection method: clinical testing. Allele origin: germline. Affected: yes.
Comment: Has not been previously published as pathogenic or benign to our knowledge; Not observed at a significant frequency in large population cohorts (Lek et al., 2016); In silico analysis, which includes protein predictors and evolutionary conservation, supports that this variant does not alter protein structure/function

PreventionGenetics, part of Exact Sciences
Classification: Uncertain significance for PRDM16-related condition. Last evaluated: 2023-11-07. Review status: no assertion criteria provided. Collection method: clinical testing. Allele origin: germline. Not counted in ClinVar's aggregate classification.
Comment: The PRDM16 c.535G>A variant is predicted to result in the amino acid substitution p.Asp179Asn. To our knowledge, this variant has not been reported in the literature. This variant is reported in 0.0016% of alleles in individuals of European (Non-Finnish) descent in gnomAD. At this time, the clinical significance of this variant is uncertain due to the absence of conclusive functional and genetic evidence.